The following is an entry in ClinVar:

NM_000548.5(TSC2):c.3610+2T>C

Gene: TSC2 (TSC complex subunit 2; plus strand). Cytogenetic location: 16p13.3.
Variant type: single nucleotide variant.
Coding change: c.3610+2T>C on transcript NM_000548.5 (MANE Select); the canonical splice donor site of the intron after coding-DNA position 3610, T replaced by C.
Molecular consequence: splice donor variant.
Genome position (GRCh38, 1-based): chr16:2,080,379, T>C. VCF-style: chr16-2080379-T-C. GRCh37 (hg19) VCF-style: chr16-2130380-T-C.
Other names: c.2137+2T>C (NM_001406693.1, NM_001406690.1, NM_001406692.1 and 1 more transcripts); c.3571+2T>C (NM_001406667.1); c.3568+2T>C (NM_001406668.1); c.3010+2T>C (NM_001406680.1, NM_001406683.1, NM_001406682.1); c.2878+2T>C (NM_001406687.1, NM_001318831.2, NM_001406688.1); c.2266+2T>C (NM_001406689.1); c.2134+2T>C (NM_001406691.1, NM_001406697.1, NM_001406695.1 and 1 more transcripts); c.1876+2T>C (NM_001406698.1); and 18 more.
Identifiers: ClinVar variation 2822858 (VCV002822858.4), dbSNP rs2151462990, ClinGen allele CA394289767.

ClinVar aggregate classification (germline): Pathogenic/Likely pathogenic. Review status: criteria provided, multiple submitters, no conflicts (2 of 4 stars). 2 submissions from 2 submitters: Pathogenic (1); Likely pathogenic (1). Last evaluated 2023-08-08.

Conditions:
TSC2-related disorder. Also called: TSC2-related condition; TSC2-Related Disorders.
Tuberous sclerosis 2 (TSC2). Identifiers: Orphanet 805, MedGen C1860707, MONDO:0013199, OMIM 613254.

Submissions (2):

Labcorp Genetics (formerly Invitae), Labcorp
Classification: Pathogenic for Tuberous sclerosis 2. Last evaluated: 2023-08-08. Review status: criteria provided, single submitter. Criteria: Invitae Variant Classification Sherloc (09022015). Collection method: clinical testing. Allele origin: germline.
Comment: For these reasons, this variant has been classified as Pathogenic. Algorithms developed to predict the effect of sequence changes on RNA splicing suggest that this variant may disrupt the consensus splice site. Disruption of this splice site has been observed in individual(s) with tuberous sclerosis complex (PMID: 24737435). In at least one individual the variant was observed to be de novo. This variant is not present in population databases (gnomAD no frequency). This sequence change affects a donor splice site in intron 30 of the TSC2 gene. It is expected to disrupt RNA splicing. Variants that disrupt the donor or acceptor splice site typically lead to a loss of protein function (PMID: 16199547), and loss-of-function variants in TSC2 are known to be pathogenic (PMID: 10205261, 17304050).

Blueprint Genetics
Classification: Likely pathogenic for TSC2-related disorders. Last evaluated: 2017-07-04. Review status: criteria provided, single submitter. Criteria: ACMG Guidelines, 2015. Collection method: clinical testing. Allele origin: germline. Affected: yes. Observed: 1 variant allele.

Literature cited by the submitters: PubMed 24737435 (cited by Labcorp Genetics (formerly Invitae), Labcorp); PubMed 16199547 (cited by Labcorp Genetics (formerly Invitae), Labcorp); PubMed 10205261 (cited by Labcorp Genetics (formerly Invitae), Labcorp); PubMed 17304050 (cited by Labcorp Genetics (formerly Invitae), Labcorp).